The following is an entry in ClinVar:

NM_006648.4(WNK2):c.4463C>T (p.Thr1488Ile)

Gene: WNK2 (WNK lysine deficient protein kinase 2; plus strand). Cytogenetic location: 9q22.31.
Variant type: single nucleotide variant.
Coding change: c.4463C>T on transcript NM_006648.4 (MANE Select); coding-DNA position 4463, C replaced by T.
Protein change: p.Thr1488Ile; replaces threonine 1488 with isoleucine.
Molecular consequence: missense variant.
Genome position (GRCh38, 1-based): chr9:93,289,217, C>T. VCF-style: chr9-93289217-C-T. GRCh37 (hg19) VCF-style: chr9-96051499-C-T.
Other names: c.4574C>T, p.Thr1525Ile (NM_001282394.3); short protein forms T1488I, T1525I.
Identifiers: ClinVar variation 3981697 (VCV003981697.1).
Genomic context (GRCh38, chr9:93,289,217, plus strand): 5'-CCAGTGCCCCAAGGGAGCCCCTGCCACCTCCTGCACCTGAGCCCAGCCCCCACAGCGGGA[C>T]CCCACAGCCCGCCTTGGGTCAACCTGCTCCCCTGCTTCCTGCCGCAGTGGGGGCCGTCAG-3'
Protein context (NP_006639.3, residues 1478-1498): PAPEPSPHSG[Thr1488Ile]PQPALGQPAP

ClinVar aggregate classification (germline): Uncertain significance (1 of 4 stars; one submission).

gnomAD v4.1: 3 of 1,604,270 alleles (0.00019%); highest among the groups gnomAD compares: East Asian, 0.0022%; no homozygotes.

Submission:

Ambry Genetics
Classification: Uncertain significance. Last evaluated: 2025-03-22. Review status: criteria provided, single submitter. Criteria: Ambry Variant Classification Scheme 2023. Collection method: clinical testing. Allele origin: germline.
Comment: The p.T1488I variant (also known as c.4463C>T), located in coding exon 19 of the WNK2 gene, results from a C to T substitution at nucleotide position 4463. The threonine at codon 1488 is replaced by isoleucine, an amino acid with similar properties. This amino acid position is conserved. In addition, this alteration is predicted to be tolerated by in silico analysis. Based on the available evidence, the clinical significance of this variant remains unclear.